The following is an entry in ClinVar:

ClinVar aggregate classification (germline): Benign. Review status: criteria provided, single submitter (1 of 4 stars). 2 submissions from 2 submitters: Benign (1). 1 of the submissions does not count toward it. Last evaluated 2026-01-24.

Conditions:
ZBTB24-related disorder. Also called: ZBTB24-related condition.
Immunodeficiency-centromeric instability-facial anomalies syndrome 2 (ICF2). Identifiers: Orphanet 2268, MedGen C3279748, MONDO:0013553, OMIM 614069.

Allele frequency attached by ClinVar (database versions not stated): gnomAD exomes 0.00006 and 0.00025; gnomAD 0.00011; TOPMed 0.00017; ExAC 0.00030.
gnomAD v4.1: 100 of 1,613,912 alleles (0.0062%); highest among the groups gnomAD compares: East Asian, 0.17%; no homozygotes.

Submissions (2):

Labcorp Genetics (formerly Invitae), Labcorp
Classification: Benign for Immunodeficiency-centromeric instability-facial anomalies syndrome 2. Last evaluated: 2026-01-24. Review status: criteria provided, single submitter. Criteria: Invitae Variant Classification Sherloc (09022015). Collection method: clinical testing. Allele origin: germline.

PreventionGenetics, part of Exact Sciences
Classification: Likely benign for ZBTB24-related condition. Last evaluated: 2019-09-17. Review status: no assertion criteria provided. Collection method: clinical testing. Allele origin: germline. Not counted in ClinVar's aggregate classification.
Comment: This variant is classified as likely benign based on ACMG/AMP sequence variant interpretation guidelines (Richards et al. 2015 PMID: 25741868, with internal and published modifications).

NM_014797.3(ZBTB24):c.268C>T (p.Leu90=)

Gene: ZBTB24 (zinc finger and BTB domain containing 24; minus strand). Cytogenetic location: 6q21.
Variant type: single nucleotide variant.
Coding change: c.268C>T on transcript NM_014797.3 (MANE Select); coding-DNA position 268, C replaced by T.
Protein change: p.Leu90=; no amino-acid change (leucine 90 retained).
Molecular consequence: synonymous variant.
Genome position (GRCh38, 1-based): chr6:109,481,759, G>A on the plus strand (C>T on the coding strand, the complement: ZBTB24 is on the minus strand). VCF-style: chr6-109481759-G-A. GRCh37 (hg19) VCF-style: chr6-109802962-G-A.
Other names: c.268C>T (NM_014797.2); c.268C>T, p.Leu90= (NM_001164313.2).
Identifiers: ClinVar variation 1165638 (VCV001165638.11), dbSNP rs779928437, ClinGen allele CA3954371.
Genomic context (GRCh38, chr6:109,481,759, plus strand): 5'-GGATTTGTTCTGTACTTTTCTCACTGGCATGGAGATAACCTGTGTAGATAAATTCCAGCA[G>A]GATACCAAAGGTGTCTGCAACCATGCCTTCCAGCATATAAATGGATTGGCCGATTTCCCC-3'
Protein context (NP_055612.2, residues 80-100): EGMVADTFGI[Leu90=]LEFIYTGYLH